The following is an entry in ClinVar:

NM_032382.5(COG8):c.704T>C (p.Met235Thr)

Gene: COG8 (component of oligomeric golgi complex 8; minus strand). Cytogenetic location: 16q22.1.
Variant type: single nucleotide variant.
Coding change: c.704T>C on transcript NM_032382.5 (MANE Select); coding-DNA position 704, T replaced by C.
Protein change: p.Met235Thr; replaces methionine 235 with threonine.
Molecular consequence: missense variant.
Genome position (GRCh38, 1-based): chr16:69,335,230, A>G on the plus strand (T>C on the coding strand, the complement: COG8 is on the minus strand). VCF-style: chr16-69335230-A-G. GRCh37 (hg19) VCF-style: chr16-69369133-A-G.
Other names: c.704T>C, p.Met235Thr (NM_001374871.1); short protein forms M235T.
Identifiers: ClinVar variation 703454 (VCV000703454.11), dbSNP rs201646246, ClinGen allele CA8133878.

ClinVar aggregate classification (germline): Benign/Likely benign. Review status: criteria provided, multiple submitters, no conflicts (2 of 4 stars). 2 submissions from 2 submitters: Benign (1); Likely benign (1). Last evaluated 2025-04-19.

Conditions:
COG8-congenital disorder of glycosylation. Also called: CDG IIh; COG8-CDG. Identifiers: Orphanet 95428, MedGen C1970021, MONDO:0012635, OMIM 611182.

Allele frequency attached by ClinVar (database versions not stated): gnomAD 0.00005 and 0.00038; TOPMed 0.00009; gnomAD exomes 0.00061 and 0.00141; ExAC 0.00157; 1000 Genomes Project 30x 0.00359; 1000 Genomes Project 0.00399.
gnomAD v4.1: 959 of 1,614,070 alleles (0.059%); highest among the groups gnomAD compares: South Asian, 0.93%; 17 homozygotes.

Submissions (2):

Labcorp Genetics (formerly Invitae), Labcorp
Classification: Benign for COG8-congenital disorder of glycosylation. Last evaluated: 2025-04-19. Review status: criteria provided, single submitter. Criteria: Invitae Variant Classification Sherloc (09022015). Collection method: clinical testing. Allele origin: germline.

Illumina Laboratory Services, Illumina
Classification: Likely benign for COG8-congenital disorder of glycosylation. Last evaluated: 2018-01-12. Review status: criteria provided, single submitter. Criteria: ICSL Variant Classification Criteria 13 December 2019. Collection method: clinical testing. Allele origin: germline.
Comment: This variant was observed in the ICSL laboratory as part of a predisposition screen in an ostensibly healthy population. It had not been previously curated by ICSL or reported in the Human Gene Mutation Database (HGMD: prior to June 1st, 2018), and was therefore a candidate for classification through an automated scoring system. Utilizing variant allele frequency, disease prevalence and penetrance estimates, and inheritance mode, an automated score was calculated to assess if this variant is too frequent to cause the disease. Based on the score and internal cut-off values, a variant classified as likely benign is not then subjected to further curation. The score for this variant resulted in a classification of likely benign for this disease.